The following is an entry in ClinVar:

NM_004523.4(KIF11):c.1643T>G (p.Leu548Ter)

Gene: KIF11 (kinesin family member 11; plus strand). Cytogenetic location: 10q23.33.
Variant type: single nucleotide variant.
Coding change: c.1643T>G on transcript NM_004523.4 (MANE Select); coding-DNA position 1643, T replaced by G.
Protein change: p.Leu548Ter; replaces leucine 548 with a stop codon.
Molecular consequence: nonsense.
Genome position (GRCh38, 1-based): chr10:92,632,634, T>G. VCF-style: chr10-92632634-T-G. GRCh37 (hg19) VCF-style: chr10-94392391-T-G.
Other names: short protein forms L548*.
Identifiers: ClinVar variation 971022 (VCV000971022.8), dbSNP rs1844750861, ClinGen allele CA377592374.
Genomic context (GRCh38, chr10:92,632,634, plus strand): 5'-CAGAAGCTCAGGATATTTTTGGCAAAAACCTGAATAGTCTGTTTAATAATATGGAAGAAT[T>G]AATTAAGGATGGCAGCTCAAAGCAAAAGGCCATGCTAGAAGTACATAAGACCTTATTTGG-3'

ClinVar aggregate classification (germline): Pathogenic (1 of 4 stars; one submission).

Submission:

Labcorp Genetics (formerly Invitae), Labcorp
Classification: Pathogenic. Last evaluated: 2022-06-03. Review status: criteria provided, single submitter. Criteria: Invitae Variant Classification Sherloc (09022015). Collection method: clinical testing. Allele origin: germline.
Comment: For these reasons, this variant has been classified as Pathogenic. ClinVar contains an entry for this variant (Variation ID: 971022). This variant has not been reported in the literature in individuals affected with KIF11-related conditions. This variant is not present in population databases (gnomAD no frequency). This sequence change creates a premature translational stop signal (p.Leu548*) in the KIF11 gene. It is expected to result in an absent or disrupted protein product. Loss-of-function variants in KIF11 are known to be pathogenic (PMID: 22284827, 24281367).

Literature cited by the submitters: PubMed 22284827; PubMed 24281367.